The following is an entry in ClinVar:

NM_005918.4(MDH2):c.475G>A (p.Gly159Arg)

Gene: MDH2 (malate dehydrogenase 2; plus strand). Cytogenetic location: 7q11.23.
Variant type: single nucleotide variant.
Coding change: c.475G>A on transcript NM_005918.4 (MANE Select); coding-DNA position 475, G replaced by A.
Protein change: p.Gly159Arg; replaces glycine 159 with arginine.
Molecular consequence: missense variant. On other transcripts: intron variant (1).
Genome position (GRCh38, 1-based): chr7:76,060,418, G>A. VCF-style: chr7-76060418-G-A. GRCh37 (hg19) VCF-style: chr7-75689736-G-A.
Other names: c.154G>A, p.Gly52Arg (NM_001282404.2); c.429+2340G>A (NM_001282403.2); short protein forms G159R, G52R.
Identifiers: ClinVar variation 1742888 (VCV001742888.2), dbSNP rs1554586825, ClinGen allele CA367764889.

ClinVar aggregate classification (germline): Uncertain significance (1 of 4 stars; one submission).

Conditions:
Inborn genetic diseases. Identifiers: MedGen C0950123, MeSH D030342.

Allele frequency attached by ClinVar (database versions not stated): TOPMed below 0.00001.

Submission:

Ambry Genetics
Classification: Uncertain significance for Inborn genetic diseases. Last evaluated: 2021-09-01. Review status: criteria provided, single submitter. Criteria: Ambry Variant Classification Scheme 2023. Collection method: clinical testing. Allele origin: germline.
Comment: The p.G159R variant (also known as c.475G>A), located in coding exon 5 of the MDH2 gene, results from a G to A substitution at nucleotide position 475. The glycine at codon 159 is replaced by arginine, an amino acid with dissimilar properties. This amino acid position is conserved. In addition, this alteration is predicted to be deleterious by in silico analysis. Since supporting evidence is limited at this time, the clinical significance of this alteration remains unclear.